The following is an entry in ClinVar:

ClinVar aggregate classification (germline): Pathogenic. Review status: criteria provided, single submitter (1 of 4 stars). 2 submissions from 2 submitters: Pathogenic (1). 1 of the submissions does not count toward it. Last evaluated 2026-04-14.

Conditions:
Familial intrahepatic cholestasis. Identifiers: Orphanet 284385, MedGen CN296401, MONDO:0017290.
Progressive familial intrahepatic cholestasis type 2. Identifiers: Orphanet 79304, MedGen C3489789, MONDO:0011156, OMIM 601847.

Submissions (2):

Genomenon, Inc
Classification: Pathogenic for Familial intrahepatic cholestasis. Last evaluated: 2026-04-14. Review status: criteria provided, single submitter. Criteria: Genomenon Sequence Variant Interpretation Standards - Updated. Collection method: curation. Allele origin: germline. Affected: yes.
Comment: ABCB11 c.908+1del is a deletion variant that affects the canonical donor splice site of intron 9. It is predicted to affect mRNA splicing, leading to a deleterious effect on the ABCB11 protein. This variant has been observed in at least one proband with an ABCB11-related disorder (PMID:16641580;9806540). It is absent or not present at a significant frequency in gnomAD. In conclusion, we classify ABCB11 c.908+1del as a pathogenic variant.

OMIM
Classification: Pathogenic for CHOLESTASIS, PROGRESSIVE FAMILIAL INTRAHEPATIC, 2. Last evaluated: 1998-11-01. Review status: no assertion criteria provided. Collection method: literature only. Allele origin: germline. Not counted in ClinVar's aggregate classification.

Literature cited by the submitters: PubMed 16641580 (cited by Genomenon, Inc); PubMed 9806540 (cited by Genomenon, Inc and OMIM).

NM_003742.4(ABCB11):c.908+1del

Gene: ABCB11 (ATP binding cassette subfamily B member 11; minus strand). Cytogenetic location: 2q31.1.
Variant type: Deletion.
Coding change: c.908+1del on transcript NM_003742.4 (MANE Select); the canonical splice donor site of the intron after coding-DNA position 908, one base deleted (G; older notation c.908+1delG).
Molecular consequence: splice donor variant.
Genome position (GRCh38, 1-based): chr2:168,990,800, C deleted on the plus strand (G on the coding strand, the reverse complement: ABCB11 is on the minus strand); the first of 2 consecutive C bases (chr2:168,990,800-168,990,801); deleting either gives the same sequence. VCF-style (leftmost placement, unchanged base first): chr2-168990799-AC-A. GRCh37 (hg19) VCF-style: chr2-169847309-AC-A.
Identifiers: ClinVar variation 6591 (VCV000006591.2), dbSNP rs1553469602, ClinGen allele CA658657120.